The following is an entry in ClinVar:

NM_001040142.2(SCN2A):c.4436A>G (p.Gln1479Arg)

Gene: SCN2A (sodium voltage-gated channel alpha subunit 2; plus strand). Cytogenetic location: 2q24.3.
Variant type: single nucleotide variant.
Coding change: c.4436A>G on transcript NM_001040142.2 (MANE Select); coding-DNA position 4436, A replaced by G.
Protein change: p.Gln1479Arg; replaces glutamine 1479 with arginine.
Molecular consequence: missense variant.
Genome position (GRCh38, 1-based): chr2:165,380,719, A>G. VCF-style: chr2-165380719-A-G. GRCh37 (hg19) VCF-style: chr2-166237229-A-G.
Other names: c.4436A>G, p.Gln1479Arg (NM_001040143.2, NM_001371246.1, NM_001371247.1 and 1 more transcripts); short protein forms Q1479R.
Identifiers: ClinVar variation 4890868 (VCV004890868.1).

ClinVar aggregate classification (germline): Likely pathogenic (1 of 4 stars; one submission).

Conditions:
Developmental and epileptic encephalopathy. Identifiers: MedGen C5779964, MONDO:0100620.

Submission:

Clinical Genetics Laboratory, Skane University Hospital Lund
Classification: Likely pathogenic for Developmental and epileptic encephalopathy. Last evaluated: 2026-06-12. Review status: criteria provided, single submitter. Criteria: ACMG Guidelines, 2015. Collection method: clinical testing. Allele origin: de novo. Affected: yes.
Comment: PS2_Moderate, PM2_Supporting, PM1, PM5_Supporting and PP3_Moderate.